The following is an entry in ClinVar:

NM_001008537.3(NEXMIF):c.4399A>G (p.Met1467Val)

Gene: NEXMIF (neurite extension and migration factor; minus strand). Cytogenetic location: Xq13.3.
Variant type: single nucleotide variant.
Coding change: c.4399A>G on transcript NM_001008537.3 (MANE Select); coding-DNA position 4399, A replaced by G.
Protein change: p.Met1467Val; replaces methionine 1467 with valine.
Molecular consequence: missense variant.
Genome position (GRCh38, 1-based): chrX:74,740,158, T>C on the plus strand (A>G on the coding strand, the complement: NEXMIF is on the minus strand). VCF-style: chrX-74740158-T-C. GRCh37 (hg19) VCF-style: chrX-73959993-T-C.
Other names: short protein forms M1467V.
Identifiers: ClinVar variation 950259 (VCV000950259.10), dbSNP rs1057098571, ClinGen allele CA331301685.

ClinVar aggregate classification (germline): Conflicting classifications of pathogenicity. Review status: criteria provided, conflicting classifications (1 of 4 stars). 2 submissions from 2 submitters: Uncertain significance (1); Likely benign (1). Last evaluated 2026-03-17.

Allele frequency attached by ClinVar (database versions not stated): gnomAD exomes below 0.00001.

Submissions (2):

Ambry Genetics
Classification: Likely benign. Last evaluated: 2026-03-17. Review status: criteria provided, single submitter. Criteria: Ambry Variant Classification Scheme 2023. Collection method: clinical testing. Allele origin: germline.

Labcorp Genetics (formerly Invitae), Labcorp
Classification: Uncertain significance. Last evaluated: 2024-09-24. Review status: criteria provided, single submitter. Criteria: Invitae Variant Classification Sherloc (09022015). Collection method: clinical testing. Allele origin: germline.
Comment: This sequence change replaces methionine, which is neutral and non-polar, with valine, which is neutral and non-polar, at codon 1467 of the NEXMIF protein (p.Met1467Val). This variant is not present in population databases (gnomAD no frequency). This variant has not been reported in the literature in individuals affected with NEXMIF-related conditions. ClinVar contains an entry for this variant (Variation ID: 950259). An algorithm developed to predict the effect of missense changes on protein structure and function outputs the following: PolyPhen-2: "Benign". The valine amino acid residue is found in multiple mammalian species, which suggests that this missense change does not adversely affect protein function. In summary, the available evidence is currently insufficient to determine the role of this variant in disease. Therefore, it has been classified as a Variant of Uncertain Significance.